The following is an entry in ClinVar:

NM_032608.7(MYO18B):c.1470G>A (p.Pro490=)

Gene: MYO18B (myosin XVIIIB; plus strand). Cytogenetic location: 22q12.1.
Variant type: single nucleotide variant.
Coding change: c.1470G>A on transcript NM_032608.7 (MANE Select); coding-DNA position 1470, G replaced by A.
Protein change: p.Pro490=; no amino-acid change (proline 490 retained).
Molecular consequence: synonymous variant.
Genome position (GRCh38, 1-based): chr22:25,769,386, G>A. VCF-style: chr22-25769386-G-A. GRCh37 (hg19) VCF-style: chr22-26165353-G-A.
Other names: c.1470G>A, p.Pro490= (NM_001318245.2); c.1470G>A (NM_032608.6).
Identifiers: ClinVar variation 1604495 (VCV001604495.11), dbSNP rs574080869, ClinGen allele CA10159831.

ClinVar aggregate classification (germline): Benign/Likely benign. Review status: criteria provided, multiple submitters, no conflicts (2 of 4 stars). 3 submissions from 3 submitters: Benign (1); Likely benign (1). 1 of the submissions does not count toward it. Last evaluated 2026-01-02.

Conditions:
MYO18B-related disorder. Also called: MYO18B-related condition.

Allele frequency attached by ClinVar (database versions not stated): gnomAD 0.00001 and 0.00016; TOPMed 0.00005; gnomAD exomes 0.00049; 1000 Genomes Project 30x 0.00109; 1000 Genomes Project 0.00120; ExAC 0.00154.
gnomAD v4.1: 274 of 1,569,562 alleles (0.017%); highest among the groups gnomAD compares: South Asian, 0.26%; 2 homozygotes.

Submissions (3):

Labcorp Genetics (formerly Invitae), Labcorp
Classification: Benign. Last evaluated: 2026-01-02. Review status: criteria provided, single submitter. Criteria: Invitae Variant Classification Sherloc (09022015). Collection method: clinical testing. Allele origin: germline.

Blueprint Genetics
Classification: Likely benign. Last evaluated: 2023-10-19. Review status: criteria provided, single submitter. Criteria: ACMG Guidelines, 2015. Collection method: clinical testing. Allele origin: germline.

PreventionGenetics, part of Exact Sciences
Classification: Likely benign for MYO18B-related condition. Last evaluated: 2023-08-18. Review status: no assertion criteria provided. Collection method: clinical testing. Allele origin: germline. Not counted in ClinVar's aggregate classification.
Comment: This variant is classified as likely benign based on ACMG/AMP sequence variant interpretation guidelines (Richards et al. 2015 PMID: 25741868, with internal and published modifications).